The following is an entry in ClinVar:

NM_000127.3(EXT1):c.1571C>T (p.Pro524Leu)

Gene: EXT1 (exostosin glycosyltransferase 1; minus strand). Cytogenetic location: 8q24.11.
Variant type: single nucleotide variant.
Coding change: c.1571C>T on transcript NM_000127.3 (MANE Select); coding-DNA position 1571, C replaced by T.
Protein change: p.Pro524Leu; replaces proline 524 with leucine.
Molecular consequence: missense variant.
Genome position (GRCh38, 1-based): chr8:117,818,496, G>A on the plus strand (C>T on the coding strand, the complement: EXT1 is on the minus strand). VCF-style: chr8-117818496-G-A. GRCh37 (hg19) VCF-style: chr8-118830735-G-A.
Other names: short protein forms P524L.
Identifiers: ClinVar variation 2843743 (VCV002843743.3), dbSNP rs2129736799, ClinGen allele CA371883278.

ClinVar aggregate classification (germline): Uncertain significance (1 of 4 stars; one submission).

Conditions:
Multiple congenital exostosis (EXT). Also called: Hereditary multiple osteochondromas; MULTIPLE CARTILAGINOUS EXOSTOSES; Multiple exostoses; Hereditary multiple exostoses; Hereditary multiple exostosis; Multiple osteochondromas. Identifiers: Orphanet 321, MedGen C0015306, MONDO:0005508, HP:0002762.

Submission:

Labcorp Genetics (formerly Invitae), Labcorp
Classification: Uncertain significance for Multiple congenital exostosis. Last evaluated: 2024-02-12. Review status: criteria provided, single submitter. Criteria: Invitae Variant Classification Sherloc (09022015). Collection method: clinical testing. Allele origin: germline.
Comment: This sequence change replaces proline, which is neutral and non-polar, with leucine, which is neutral and non-polar, at codon 524 of the EXT1 protein (p.Pro524Leu). This variant is not present in population databases (gnomAD no frequency). This variant has not been reported in the literature in individuals affected with EXT1-related conditions. Advanced modeling of protein sequence and biophysical properties (such as structural, functional, and spatial information, amino acid conservation, physicochemical variation, residue mobility, and thermodynamic stability) performed at Invitae indicates that this missense variant is expected to disrupt EXT1 protein function with a positive predictive value of 80%. In summary, the available evidence is currently insufficient to determine the role of this variant in disease. Therefore, it has been classified as a Variant of Uncertain Significance.